The following is an entry in ClinVar:

NM_000222.3(KIT):c.817_833del (p.Ala273fs)

Gene: KIT (KIT proto-oncogene, receptor tyrosine kinase; plus strand). Cytogenetic location: 4q12.
Variant type: Deletion.
Coding change: c.817_833del on transcript NM_000222.3 (MANE Select); coding-DNA positions 817 to 833, 17 bases deleted (GCAACGTTGACTATCAG).
Protein change: p.Ala273fs; shifts the reading frame from alanine 273.
Molecular consequence: frameshift variant.
Genome position (GRCh38, 1-based): chr4:54,703,784-54,703,800, GCAACGTTGACTATCAG deleted; deleting any 17 consecutive bases within chr4:54,703,780-54,703,800 gives the same sequence; the c. name uses the placement nearest the transcript's 3' end. VCF-style (leftmost placement, unchanged base first): chr4-54703779-GTCAGGCAACGTTGACTA-G. GRCh37 (hg19) VCF-style: chr4-55569945-GTCAGGCAACGTTGACTA-G.
Other names: c.817_833del, p.Ala273fs (NM_001093772.2, NM_001385285.1, NM_001385286.1); c.820_836del, p.Ala274fs (NM_001385284.1, NM_001385288.1, NM_001385290.1 and 1 more transcripts); short protein forms A273fs, A274fs.
Identifiers: ClinVar variation 3727950 (VCV003727950.2).

ClinVar aggregate classification (germline): Pathogenic (1 of 4 stars; one submission).

Conditions:
Gastrointestinal stromal tumor. Also called: Gastrointestinal stromal tumor, somatic; Gastrointestinal stroma tumor. Identifiers: Orphanet 44890, MedGen C0238198, MeSH D046152, MONDO:0011719, OMIM 606764, HP:0100723.

Submission:

Labcorp Genetics (formerly Invitae), Labcorp
Classification: Pathogenic for Gastrointestinal stromal tumor. Last evaluated: 2024-12-24. Review status: criteria provided, single submitter. Criteria: Invitae Variant Classification Sherloc (09022015). Collection method: clinical testing. Allele origin: germline.
Comment: This sequence change creates a premature translational stop signal (p.Ala273Phefs*5) in the KIT gene. It is expected to result in an absent or disrupted protein product. Loss-of-function variants in KIT are known to be pathogenic (PMID: 15194144). This variant is not present in population databases (gnomAD no frequency). This variant has not been reported in the literature in individuals affected with KIT-related conditions. For these reasons, this variant has been classified as Pathogenic.

Literature cited by the submitters: PubMed 15194144.